The following is an entry in ClinVar:

ClinVar aggregate classification (germline): Conflicting classifications of pathogenicity. Review status: criteria provided, conflicting classifications (1 of 4 stars). 2 submissions from 2 submitters: Uncertain significance (1); Likely benign (1). Last evaluated 2025-12-13.

Conditions:
Inborn genetic diseases. Identifiers: MedGen C0950123, MeSH D030342.

Submissions (2):

Ambry Genetics
Classification: Likely benign for Inborn genetic diseases. Last evaluated: 2025-12-13. Review status: criteria provided, single submitter. Criteria: Ambry Variant Classification Scheme 2023. Collection method: clinical testing. Allele origin: germline.

Labcorp Genetics (formerly Invitae), Labcorp
Classification: Uncertain significance. Last evaluated: 2025-02-10. Review status: criteria provided, single submitter. Criteria: Invitae Variant Classification Sherloc (09022015). Collection method: clinical testing. Allele origin: germline.
Comment: This sequence change replaces threonine, which is neutral and polar, with alanine, which is neutral and non-polar, at codon 569 of the ANKRD26 protein (p.Thr569Ala). This variant is not present in population databases (gnomAD no frequency). This variant has not been reported in the literature in individuals affected with ANKRD26-related conditions. An algorithm developed to predict the effect of missense changes on protein structure and function outputs the following: PolyPhen-2: "Benign". The alanine amino acid residue is found in multiple mammalian species, which suggests that this missense change does not adversely affect protein function. In summary, the available evidence is currently insufficient to determine the role of this variant in disease. Therefore, it has been classified as a Variant of Uncertain Significance.

NM_014915.3(ANKRD26):c.1705A>G (p.Thr569Ala)

Gene: ANKRD26 (ankyrin repeat domain 26; minus strand). Cytogenetic location: 10p12.1.
Variant type: single nucleotide variant.
Coding change: c.1705A>G on transcript NM_014915.3 (MANE Select); coding-DNA position 1705, A replaced by G.
Protein change: p.Thr569Ala; replaces threonine 569 with alanine.
Molecular consequence: missense variant.
Genome position (GRCh38, 1-based): chr10:27,048,910, T>C on the plus strand (A>G on the coding strand, the complement: ANKRD26 is on the minus strand). VCF-style: chr10-27048910-T-C. GRCh37 (hg19) VCF-style: chr10-27337839-T-C.
Other names: c.1705A>G, p.Thr569Ala (NM_001256053.2); short protein forms T569A.
Identifiers: ClinVar variation 4580513 (VCV004580513.2).